The following is an entry in ClinVar:

NM_001378615.1(CC2D2A):c.2003+1G>A

Genes: CC2D2A (coiled-coil and C2 domain containing 2A; plus strand), FBXL5 (F-box and leucine rich repeat protein 5; minus strand). Cytogenetic location: 4p15.32.
Variant type: single nucleotide variant.
Coding change: c.2003+1G>A on transcript NM_001378615.1 (MANE Select); the canonical splice donor site of the intron after coding-DNA position 2003, G replaced by A.
Molecular consequence: splice donor variant.
Genome position (GRCh38, 1-based): chr4:15,538,138, G>A. VCF-style: chr4-15538138-G-A. GRCh37 (hg19) VCF-style: chr4-15539761-G-A.
Other names: c.2003+1G>A (NM_001080522.2); c.1856+1G>A (NM_001378617.1).
Identifiers: ClinVar variation 3756705 (VCV003756705.2).

ClinVar aggregate classification (germline): Likely pathogenic (1 of 4 stars; one submission).

Conditions:
Joubert syndrome. Also called: JOUBERT-BOLTSHAUSER SYNDROME; Familial aplasia of the vermis. Identifiers: Orphanet 475, MedGen C5979921, MONDO:0018772.
Meckel-Gruber syndrome. Also called: DYSENCEPHALIA SPLANCHNOCYSTICA; GRUBER SYNDROME; Dysencephalia splachnocystica. Identifiers: Orphanet 564, MedGen C0265215, MONDO:0018921.

Submission:

Labcorp Genetics (formerly Invitae), Labcorp
Classification: Likely pathogenic for Joubert syndrome; Meckel-Gruber syndrome. Last evaluated: 2024-06-12. Review status: criteria provided, single submitter. Criteria: Invitae Variant Classification Sherloc (09022015). Collection method: clinical testing. Allele origin: germline.
Comment: This sequence change affects a donor splice site in intron 17 of the CC2D2A gene. It is expected to disrupt RNA splicing. Variants that disrupt the donor or acceptor splice site typically lead to a loss of protein function (PMID: 16199547), and loss-of-function variants in CC2D2A are known to be pathogenic (PMID: 19777577). This variant is not present in population databases (gnomAD no frequency). Disruption of this splice site has been observed in individual(s) with Joubert syndrome (PMID: 36319078). Algorithms developed to predict the effect of sequence changes on RNA splicing suggest that this variant may disrupt the consensus splice site. In summary, the currently available evidence indicates that the variant is pathogenic, but additional data are needed to prove that conclusively. Therefore, this variant has been classified as Likely Pathogenic.

Literature cited by the submitters: PubMed 16199547; PubMed 19777577; PubMed 36319078.